The following is an entry in ClinVar:

ClinVar aggregate classification (germline): Uncertain significance (1 of 4 stars; one submission).

Conditions:
Hereditary breast ovarian cancer syndrome. Also called: Hereditary breast and ovarian cancer syndrome (HBOC); Hereditary breast and ovarian cancer syndrome; Hereditary breast and ovarian cancer; Breast and ovarian cancer; BRCA1- and BRCA2-Associated Hereditary Breast and Ovarian Cancer; Hereditary breast and/or ovarian cancer syndrome. Identifiers: Orphanet 145, MedGen C0677776, MeSH D061325, MONDO:0003582. Disease mechanism: loss of function.

Submission:

Labcorp Genetics (formerly Invitae), Labcorp
Classification: Uncertain significance for Hereditary breast ovarian cancer syndrome. Last evaluated: 2022-06-16. Review status: criteria provided, single submitter. Criteria: Invitae Variant Classification Sherloc (09022015). Collection method: clinical testing. Allele origin: germline.
Comment: Experimental studies and prediction algorithms are not available or were not evaluated, and the functional significance of this variant is currently unknown. In summary, the available evidence is currently insufficient to determine the role of this variant in disease. Therefore, it has been classified as a Variant of Uncertain Significance. This variant has not been reported in the literature in individuals affected with BRCA2-related conditions. This variant is not present in population databases (gnomAD no frequency). This variant, c.5713_5715del, results in the deletion of 1 amino acid(s) of the BRCA2 protein (p.His1905del), but otherwise preserves the integrity of the reading frame.

NM_000059.4(BRCA2):c.5713_5715del (p.His1905del)

Gene: BRCA2 (BRCA2 DNA repair associated; plus strand). Cytogenetic location: 13q13.1.
Variant type: Deletion.
Coding change: c.5713_5715del on transcript NM_000059.4 (MANE Select); coding-DNA positions 5713 to 5715, 3 bases deleted (CAT; older notation c.5713_5715delCAT).
Protein change: p.His1905del; deletes histidine 1905.
Molecular consequence: inframe deletion. On other transcripts: inframe indel (2).
Genome position (GRCh38, 1-based): chr13:32,340,068-32,340,070, CAT deleted; deleting any 3 consecutive bases within chr13:32,340,067-32,340,070 gives the same sequence; the c. name uses the placement nearest the transcript's 3' end. VCF-style (leftmost placement, unchanged base first): chr13-32340066-TTCA-T. GRCh37 (hg19) VCF-style: chr13-32914203-TTCA-T.
Other names: c.5713_5715delCAT, p.His1905del (NM_001406719.1, NM_001406720.1); short protein forms H1905del.
Identifiers: ClinVar variation 2007388 (VCV002007388.4), dbSNP rs2548531549, ClinGen allele CA2580087641.
Genomic context (GRCh38, chr13:32,340,066, plus strand): 5'-TTTGCCAAACGAAAATTATGGCAGGTTGTTACGAGGCATTGGATGATTCAGAGGATATTC[TTCA>T]TAACTCTCTAGATAATGATGAATGTAGCACGCATTCACATAAGGTTTTTGCTGACATTCA-3'